The following is an entry in ClinVar:

ClinVar aggregate classification (germline): Uncertain significance. Review status: criteria provided, multiple submitters, no conflicts (2 of 4 stars). 2 submissions from 2 submitters: Uncertain significance (2). Last evaluated 2026-02-11.

Conditions:
Hereditary cancer-predisposing syndrome. Also called: Tumor predisposition; Neoplastic Syndromes, Hereditary; Hereditary Cancer Syndrome; Hereditary neoplastic syndrome. Identifiers: Orphanet 140162, MedGen C0027672, MeSH D009386, MONDO:0015356.

Allele frequency attached by ClinVar (database versions not stated): TOPMed below 0.00001; gnomAD 0.00001.

Submissions (2):

Ambry Genetics
Classification: Uncertain significance for Hereditary cancer-predisposing syndrome. Last evaluated: 2026-02-11. Review status: criteria provided, single submitter. Criteria: Ambry Variant Classification Scheme 2023. Collection method: clinical testing. Allele origin: germline.
Comment: The c.2173G>A variant (also known as p.D725N), located in coding exon 19 of the POLE gene, results from a G to A substitution at nucleotide position 2173. The aspartic acid at codon 725 is replaced by asparagine, an amino acid with highly similar properties. However, this change occurs in the last base pair of coding exon 19, which makes it likely to have some effect on normal mRNA splicing. This nucleotide position is highly conserved in available vertebrate species. In silico splice site analysis predicts that this alteration will not have any significant effect on splicing. This amino acid position is highly conserved in available vertebrate species. In addition, as a missense substitution this is predicted to be tolerated by in silico analysis. Based on the available evidence, the clinical significance of this variant remains unclear.

Labcorp Genetics (formerly Invitae), Labcorp
Classification: Uncertain significance. Last evaluated: 2023-02-16. Review status: criteria provided, single submitter. Criteria: Invitae Variant Classification Sherloc (09022015). Collection method: clinical testing. Allele origin: germline.
Comment: Variants that disrupt the consensus splice site are a relatively common cause of aberrant splicing (PMID: 17576681, 9536098). In summary, the available evidence is currently insufficient to determine the role of this variant in disease. Therefore, it has been classified as a Variant of Uncertain Significance. An algorithm developed to predict the effect of missense changes on protein structure and function (PolyPhen-2) suggests that this variant is likely to be disruptive. This variant has not been reported in the literature in individuals affected with POLE-related conditions. The frequency data for this variant in the population databases is considered unreliable, as metrics indicate poor data quality at this position in the gnomAD database. This sequence change replaces aspartic acid, which is acidic and polar, with asparagine, which is neutral and polar, at codon 725 of the POLE protein (p.Asp725Asn). This variant also falls at the last nucleotide of exon 19, which is part of the consensus splice site for this exon.

Literature cited by the submitters: PubMed 17576681 (cited by Labcorp Genetics (formerly Invitae), Labcorp); PubMed 9536098 (cited by Labcorp Genetics (formerly Invitae), Labcorp).

NM_006231.4(POLE):c.2173G>A (p.Asp725Asn)

Gene: POLE (DNA polymerase epsilon, catalytic subunit; minus strand). Cytogenetic location: 12q24.33.
Variant type: single nucleotide variant.
Coding change: c.2173G>A on transcript NM_006231.4 (MANE Select); coding-DNA position 2173, G replaced by A.
Protein change: p.Asp725Asn; replaces aspartic acid 725 with asparagine.
Molecular consequence: missense variant.
Genome position (GRCh38, 1-based): chr12:132,668,356, C>T on the plus strand (G>A on the coding strand, the complement: POLE is on the minus strand). VCF-style: chr12-132668356-C-T. GRCh37 (hg19) VCF-style: chr12-133244942-C-T.
Other names: c.2173G>A (NM_006231.2); short protein forms D725N.
Identifiers: ClinVar variation 2837899 (VCV002837899.4), dbSNP rs760942391, ClinGen allele CA6893659.
Genomic context (GRCh38, chr12:132,668,356, plus strand): 5'-GAACAGAAAGTGGGAGCAGGAGCCACATCTTTACAGCCGTGACCATGCCCAGGCACTCAC[C>T]CGCCAGCCTTCTCTTCTCGTATTTCGCCTGTTCCTCGCGGGACAGTTCATGAAAGGCCCG-3'
Protein context (NP_006222.2, residues 715-735): QAKYEKRRLA[Asp725Asn]YCRKAYKKIH